The following is an entry in ClinVar:

NM_001379200.1(TBX1):c.1464C>A (p.Tyr488Ter)

Gene: TBX1 (T-box transcription factor 1; plus strand). Cytogenetic location: 22q11.21.
Variant type: single nucleotide variant.
Coding change: c.1464C>A on transcript NM_001379200.1 (MANE Select); coding-DNA position 1464, C replaced by A.
Protein change: p.Tyr488Ter; replaces tyrosine 488 with a stop codon.
Molecular consequence: nonsense. On other transcripts: intron variant (2).
Genome position (GRCh38, 1-based): chr22:19,766,816, C>A. VCF-style: chr22-19766816-C-A. GRCh37 (hg19) VCF-style: chr22-19754339-C-A.
Other names: c.1437C>A, p.Tyr479Ter (NM_080647.1); c.1009+814C>A (NM_005992.1, NM_080646.2); short protein forms Y479*, Y488*.
Identifiers: ClinVar variation 4072735 (VCV004072735.1).
Genomic context (GRCh38, chr22:19,766,816, plus strand): 5'-GAGTCCAGCCGCCGCGGCCGCCGCCGCCGCTGCCGCAGCTGCCGCGGCCGCCAACATGTA[C>A]TCGTCGGCCGGAGCCGCGCCGCCCGGCTCCTACGACTATTGCCCCAGATAACACGGGCCC-3'

ClinVar aggregate classification (germline): Uncertain significance (1 of 4 stars; one submission).

Submission:

GeneDx
Classification: Uncertain significance. Last evaluated: 2025-02-01. Review status: criteria provided, single submitter. Criteria: GeneDx Variant Classification Process June 2021. Collection method: clinical testing. Allele origin: germline. Affected: yes.
Comment: Not observed at significant frequency in large population cohorts (gnomAD); Nonsense variant predicted to result in protein truncation as the last 17 amino acid(s) are lost; Has not been previously published as pathogenic or benign to our knowledge